The following is an entry in ClinVar:

ClinVar aggregate classification (germline): Likely pathogenic (0 of 4 stars; one submission).

Conditions:
Keratoconus (KC). Identifiers: MedGen C0022578, MeSH D007640, MONDO:0015486, HP:0000563.

Submission:

Refractive Surgery Department, Bright Eye Hospital
Classification: Likely pathogenic for Keratoconus. Last evaluated: 2023-08-27. Review status: no assertion criteria provided. Collection method: clinical testing. Allele origin: biparental. Inheritance: Autosomal dominant inheritance. Affected: yes. Observed: 2 variant alleles, 2 heterozygotes.
Comment: In this study, missense mutation c.976G>A (p.G326S) was detected in the COL4A1 gene and was predicted to be damaging. The substitution p.G326S was in the Pfam collagen domain (273–334 aa) , which is predominantly repeats of the G-X-Y and polypeptide chain-formed triple helix and is considered highly conserved. This is the first time a COL4A1 mutation in a family with KC has been identified.

NM_001845.6(COL4A1):c.976G>A (p.Gly326Ser)

Gene: COL4A1 (collagen type IV alpha 1 chain; minus strand). Cytogenetic location: 13q34.
Variant type: single nucleotide variant.
Coding change: c.976G>A on transcript NM_001845.6 (MANE Select); coding-DNA position 976, G replaced by A.
Protein change: p.Gly326Ser; replaces glycine 326 with serine.
Molecular consequence: missense variant.
Genome position (GRCh38, 1-based): chr13:110,203,589, C>T on the plus strand (G>A on the coding strand, the complement: COL4A1 is on the minus strand). VCF-style: chr13-110203589-C-T. GRCh37 (hg19) VCF-style: chr13-110855936-C-T.
Other names: c.976G>A, p.Gly326Ser (NM_001303110.2); short protein forms G326S.
Identifiers: ClinVar variation 2577488 (VCV002577488.2), dbSNP rs761712661, ClinGen allele CA388724548.
Genomic context (GRCh38, chr13:110,203,589, plus strand): 5'-GCGCTCTCACAGACCCAGGGACAGCACTCTTACTCACAATTCCAGGTGGGCCAGGAGGAC[C>T]TGCTTCACCCTTTTCTCCCTACAAAAGAAAAAATAACTTTCCTTGCATATTCTTACTATA-3'
Protein context (NP_001836.3, residues 316-336): QGPQGEKGEA[Gly326Ser]PPGPPGIVIG